The following is an entry in ClinVar:

ClinVar aggregate classification (germline): Uncertain significance (1 of 4 stars; one submission).

Conditions:
Gnathodiaphyseal dysplasia (GDD). Also called: GNATHODIAPHYSEAL SCLEROSIS; OSTEOGENESIS IMPERFECTA WITH UNUSUAL SKELETAL LESIONS. Identifiers: Orphanet 53697, MedGen C1833736, MONDO:0008151, OMIM 166260.
Autosomal recessive limb-girdle muscular dystrophy type 2L (LGMDR12). Also called: Limb-girdle muscular dystrophy, type 2L; MUSCULAR DYSTROPHY, LIMB-GIRDLE, AUTOSOMAL RECESSIVE 12; Limb-Girdle Muscular Dystrophy R12 Anoctamin-5-Related (LGMD-R12). Identifiers: Orphanet 206549, MedGen C1969785, MONDO:0012652, OMIM 611307.

Submission:

Labcorp Genetics (formerly Invitae), Labcorp
Classification: Uncertain significance for Autosomal recessive limb-girdle muscular dystrophy type 2L; Gnathodiaphyseal dysplasia. Last evaluated: 2023-06-04. Review status: criteria provided, single submitter. Criteria: Invitae Variant Classification Sherloc (09022015). Collection method: clinical testing. Allele origin: germline.
Comment: This variant is not present in population databases (gnomAD no frequency). In summary, the available evidence is currently insufficient to determine the role of this variant in disease. Therefore, it has been classified as a Variant of Uncertain Significance. Advanced modeling of protein sequence and biophysical properties (such as structural, functional, and spatial information, amino acid conservation, physicochemical variation, residue mobility, and thermodynamic stability) has been performed at Invitae for this missense variant, however the output from this modeling did not meet the statistical confidence thresholds required to predict the impact of this variant on ANO5 protein function. This variant has not been reported in the literature in individuals affected with ANO5-related conditions. This sequence change replaces valine, which is neutral and non-polar, with phenylalanine, which is neutral and non-polar, at codon 87 of the ANO5 protein (p.Val87Phe).

NM_213599.3(ANO5):c.259G>T (p.Val87Phe)

Gene: ANO5 (anoctamin 5; plus strand). Cytogenetic location: 11p14.3.
Variant type: single nucleotide variant.
Coding change: c.259G>T on transcript NM_213599.3 (MANE Select); coding-DNA position 259, G replaced by T.
Protein change: p.Val87Phe; replaces valine 87 with phenylalanine.
Molecular consequence: missense variant.
Genome position (GRCh38, 1-based): chr11:22,221,175, G>T. VCF-style: chr11-22221175-G-T. GRCh37 (hg19) VCF-style: chr11-22242721-G-T.
Other names: c.256G>T, p.Val86Phe (NM_001142649.2); c.217G>T, p.Val73Phe (NM_001410963.1); c.214G>T, p.Val72Phe (NM_001410964.1); short protein forms V72F, V73F, V87F, V86F.
Identifiers: ClinVar variation 2935360 (VCV002935360.3), dbSNP rs34994927, ClinGen allele CA379925441.
Genomic context (GRCh38, chr11:22,221,175, plus strand): 5'-AGCAAAGATTCTATCTTCTTCCGAGATGGGATTAGGCAAATTGATTTTGTGCTTTCCTAC[G>T]TTGATGATGTAAAGAAAGACGCAGAGTTAAAGGCGGTAAGTGCATTATAACAGAAGTGGG-3'
Protein context (NP_998764.1, residues 77-97): IRQIDFVLSY[Val87Phe]DDVKKDAELK